The following is an entry in ClinVar:

ClinVar aggregate classification (germline): Uncertain significance (1 of 4 stars; one submission).

Conditions:
NIK deficiency. Also called: Primary immunodeficiency with multifaceted aberrant lymphoid immunity. Identifiers: Orphanet 447731, MedGen C5680065, MONDO:0018642.

Allele frequency attached by ClinVar (database versions not stated): gnomAD 0.00002; TOPMed 0.00003; gnomAD exomes 0.00004 and 0.00007; ExAC 0.00010.
gnomAD v4.1: 96 of 1,595,382 alleles (0.006%); highest among the groups gnomAD compares: Non-Finnish European, 0.0081%; no homozygotes.

Submission:

Labcorp Genetics (formerly Invitae), Labcorp
Classification: Uncertain significance for NIK deficiency. Last evaluated: 2022-08-23. Review status: criteria provided, single submitter. Criteria: Invitae Variant Classification Sherloc (09022015). Collection method: clinical testing. Allele origin: germline.
Comment: This sequence change replaces serine, which is neutral and polar, with threonine, which is neutral and polar, at codon 802 of the MAP3K14 protein (p.Ser802Thr). This variant is present in population databases (rs749266847, gnomAD 0.008%). This variant has not been reported in the literature in individuals affected with MAP3K14-related conditions. ClinVar contains an entry for this variant (Variation ID: 664708). In summary, the available evidence is currently insufficient to determine the role of this variant in disease. Therefore, it has been classified as a Variant of Uncertain Significance.

NM_003954.5(MAP3K14):c.2405G>C (p.Ser802Thr)

Genes: MAP3K14 (mitogen-activated protein kinase kinase kinase 14; minus strand), MAP3K14-AS1 (MAP3K14 antisense RNA 1; plus strand), LOC126862575 (CDK7 strongly-dependent group 2 enhancer GRCh37_chr17:43344006-43345205; plus strand). Cytogenetic location: 17q21.31.
Variant type: single nucleotide variant.
Coding change: c.2405G>C on transcript NM_003954.5 (MANE Select); coding-DNA position 2405, G replaced by C.
Protein change: p.Ser802Thr; replaces serine 802 with threonine.
Molecular consequence: missense variant. On other transcripts: non-coding transcript variant (5).
Genome position (GRCh38, 1-based): chr17:45,267,120, C>G on the plus strand (G>C on the coding strand, the complement: MAP3K14 is on the minus strand). VCF-style: chr17-45267120-C-G. GRCh37 (hg19) VCF-style: chr17-43344487-C-G.
Other names: c.2405G>C, p.Ser802Thr (LRG_1222t1); short protein forms S802T.
Identifiers: ClinVar variation 664708 (VCV000664708.4), dbSNP rs749266847, ClinGen allele CA8613895.
Genomic context (GRCh38, chr17:45,267,120, plus strand): 5'-GAGCCATGGCTCCGGGGCCACAACCGACTCACCTTCTCACTGTCATCCGACAGGGAGAGG[C>G]TGTCGATGCTGAGGCACGAGAGAATTTGCTCCTGCTCCTCCAGAGAAAATGGCTGGGACA-3'
Protein context (NP_003945.2, residues 792-812): EQILSCLSID[Ser802Thr]LSLSDDSEKN